The following is an entry in ClinVar:

ClinVar aggregate classification (germline): Uncertain significance (1 of 4 stars; one submission).

Submission:

Ambry Genetics
Classification: Uncertain significance. Last evaluated: 2026-02-24. Review status: criteria provided, single submitter. Criteria: Ambry Variant Classification Scheme 2023. Collection method: clinical testing. Allele origin: germline.
Comment: The p.S331Y variant (also known as c.992C>A), located in coding exon 8 of the RNF43 gene, results from a C to A substitution at nucleotide position 992. The serine at codon 331 is replaced by tyrosine, an amino acid with dissimilar properties. This amino acid position is conserved. In addition, this alteration is predicted to be tolerated by in silico analysis. Based on the available evidence, the clinical significance of this variant remains unclear.

NM_017763.6(RNF43):c.992C>A (p.Ser331Tyr)

Gene: RNF43 (ring finger protein 43; minus strand). Cytogenetic location: 17q22.
Variant type: single nucleotide variant.
Coding change: c.992C>A on transcript NM_017763.6 (MANE Select); coding-DNA position 992, C replaced by A.
Protein change: p.Ser331Tyr; replaces serine 331 with tyrosine.
Molecular consequence: missense variant.
Genome position (GRCh38, 1-based): chr17:58,358,784, G>T on the plus strand (C>A on the coding strand, the complement: RNF43 is on the minus strand). VCF-style: chr17-58358784-G-T. GRCh37 (hg19) VCF-style: chr17-56436145-G-T.
Other names: c.992C>A, p.Ser331Tyr (NM_001305544.3, NM_001438820.1, NM_001438821.1 and 1 more transcripts); c.611C>A, p.Ser204Tyr (NM_001305545.2, NM_001437987.1); short protein forms S204Y, S331Y.
Identifiers: ClinVar variation 4826146 (VCV004826146.1).